The following is an entry in ClinVar:

ClinVar aggregate classification (germline): Benign/Likely benign. Review status: criteria provided, multiple submitters, no conflicts (2 of 4 stars). 2 submissions from 2 submitters: Benign (1); Likely benign (1). Last evaluated 2025-11-18.

Conditions:
Pseudohypoparathyroidism type 1B (PHP1B). Also called: Pseudohypoparathyroidism Ib (PHP-Ib); Pseudohypoparathyroidism Type IB; PHP IB. Identifiers: Orphanet 94089, MedGen C1864100, MONDO:0011301, OMIM 603233.

Allele frequency attached by ClinVar (database versions not stated): gnomAD exomes 0.00015 and 0.00017; ExAC 0.00017; TOPMed 0.00034; gnomAD 0.00037; ESP Exome Variant Server 0.00038; 1000 Genomes Project 30x 0.00078; 1000 Genomes Project 0.00100.
gnomAD v4.1: 303 of 1,613,822 alleles (0.019%); highest among the groups gnomAD compares: African/African-American, 0.11%; no homozygotes.

Submissions (2):

Labcorp Genetics (formerly Invitae), Labcorp
Classification: Likely benign. Last evaluated: 2025-11-18. Review status: criteria provided, single submitter. Criteria: Invitae Variant Classification Sherloc (09022015). Collection method: clinical testing. Allele origin: germline.

Illumina Laboratory Services, Illumina
Classification: Benign for Pseudohypoparathyroidism type 1B. Last evaluated: 2018-01-13. Review status: criteria provided, single submitter. Criteria: ICSL Variant Classification Criteria 13 December 2019. Collection method: clinical testing. Allele origin: germline.
Comment: This variant was observed in the ICSL laboratory as part of a predisposition screen in an ostensibly healthy population. It had not been previously curated by ICSL or reported in the Human Gene Mutation Database (HGMD: prior to June 1st, 2018), and was therefore a candidate for classification through an automated scoring system. Utilizing variant allele frequency, disease prevalence and penetrance estimates, and inheritance mode, an automated score was calculated to assess if this variant is too frequent to cause the disease. Based on the score and internal cut-off values, a variant classified as benign is not then subjected to further curation. The score for this variant resulted in a classification of benign for this disease.

NM_001001433.3(STX16):c.594C>T (p.Phe198=)

Genes: STX16 (syntaxin 16; plus strand), STX16-NPEPL1 (STX16-NPEPL1 readthrough (NMD candidate); plus strand). Cytogenetic location: 20q13.32.
Variant type: single nucleotide variant.
Coding change: c.594C>T on transcript NM_001001433.3 (MANE Select); coding-DNA position 594, C replaced by T.
Protein change: p.Phe198=; no amino-acid change (phenylalanine 198 retained).
Molecular consequence: synonymous variant. On other transcripts: non-coding transcript variant (4).
Genome position (GRCh38, 1-based): chr20:58,670,549, C>T. VCF-style: chr20-58670549-C-T. GRCh37 (hg19) VCF-style: chr20-57245605-C-T.
Other names: c.582C>T, p.Phe194= (NM_001134772.3); c.543C>T, p.Phe181= (NM_001134773.3); c.435C>T, p.Phe145= (NM_001204868.2); c.531C>T, p.Phe177= (NM_003763.6).
Identifiers: ClinVar variation 723495 (VCV000723495.12), dbSNP rs146333716, ClinGen allele CA9925373.